The following is an entry in ClinVar:

NM_001042492.3(NF1):c.3308T>G (p.Phe1103Cys)

Gene: NF1 (neurofibromin 1; plus strand). Cytogenetic location: 17q11.2.
Variant type: single nucleotide variant.
Coding change: c.3308T>G on transcript NM_001042492.3 (MANE Select); coding-DNA position 3308, T replaced by G.
Protein change: p.Phe1103Cys; replaces phenylalanine 1103 with cysteine.
Molecular consequence: missense variant.
Genome position (GRCh38, 1-based): chr17:31,232,183, T>G. VCF-style: chr17-31232183-T-G. GRCh37 (hg19) VCF-style: chr17-29559201-T-G.
Other names: c.3308T>G, p.Phe1103Cys (NM_000267.4); short protein forms F1103C.
Identifiers: ClinVar variation 823532 (VCV000823532.4), dbSNP rs1597718879, ClinGen allele CA398988932.
Genomic context (GRCh38, chr17:31,232,183, plus strand): 5'-TCCCTCTGCAGCCTGAAGAAGGAGATGGTGTGGAATTGATGGAAGCCAAATCACAGTTAT[T>G]TCTTAAGTAAATTTCAGTCACCAAAAAACATAAAGCAAAAAGCAAATAAAGCCCCCCACC-3'
Protein context (NP_001035957.1, residues 1093-1113): VELMEAKSQL[Phe1103Cys]LKYFTLFMNL

ClinVar aggregate classification (germline): Uncertain significance (1 of 4 stars; one submission).

Conditions:
Cardiovascular phenotype. Identifiers: MedGen CN230736.
Hereditary cancer-predisposing syndrome. Also called: Tumor predisposition; Hereditary Cancer Syndrome; Neoplastic Syndromes, Hereditary; Hereditary neoplastic syndrome. Identifiers: Orphanet 140162, MedGen C0027672, MeSH D009386, MONDO:0015356.

Submission:

Ambry Genetics
Classification: Uncertain significance for Cardiovascular phenotype; Hereditary cancer-predisposing syndrome. Last evaluated: 2019-02-22. Review status: criteria provided, single submitter. Criteria: Ambry Variant Classification Scheme 2023. Collection method: clinical testing. Allele origin: germline.
Comment: The p.F1103C variant (also known as c.3308T>G), located in coding exon 25 of the NF1 gene, results from a T to G substitution at nucleotide position 3308. The phenylalanine at codon 1103 is replaced by cysteine, an amino acid with highly dissimilar properties. This amino acid position is highly conserved in available vertebrate species. In addition, this alteration is predicted to be deleterious by in silico analysis. Since supporting evidence is limited at this time, the clinical significance of this alteration remains unclear.